The following is an entry in ClinVar:

NM_022114.4(PRDM16):c.3366C>T (p.Asp1122=)

Gene: PRDM16 (PR/SET domain 16; plus strand). Cytogenetic location: 1p36.32.
Variant type: single nucleotide variant.
Coding change: c.3366C>T on transcript NM_022114.4 (MANE Select); coding-DNA position 3366, C replaced by T.
Protein change: p.Asp1122=; no amino-acid change (aspartic acid 1122 retained).
Molecular consequence: synonymous variant.
Genome position (GRCh38, 1-based): chr1:3,430,953, C>T. VCF-style: chr1-3430953-C-T. GRCh37 (hg19) VCF-style: chr1-3347517-C-T.
Other names: c.3366C>T, p.Asp1122= (NM_199454.3).
Identifiers: ClinVar variation 227871 (VCV000227871.14), dbSNP rs370195954, ClinGen allele CA544850.

ClinVar aggregate classification (germline): Likely benign. Review status: criteria provided, multiple submitters, no conflicts (2 of 4 stars). 3 submissions from 3 submitters: Likely benign (3). Last evaluated 2026-05-15.

Conditions:
Left ventricular noncompaction 8 (LVNC8). Identifiers: Orphanet 154, Orphanet 54260, MedGen C3809288, MONDO:0014152, OMIM 615373.

Allele frequency attached by ClinVar (database versions not stated): TOPMed 0.00012; gnomAD exomes 0.00002; ESP Exome Variant Server 0.00015; 1000 Genomes Project 30x 0.00016; gnomAD 0.00006; ExAC 0.00002.
gnomAD v4.1: 51 of 1,613,456 alleles (0.0032%); highest among the groups gnomAD compares: African/African-American, 0.027%; no homozygotes.

Submissions (3):

Women's Health and Genetics/Laboratory Corporation of America, LabCorp
Classification: Likely benign. Last evaluated: 2026-05-15. Review status: criteria provided, single submitter. Criteria: LabCorp Variant Classification Summary - May 2015. Collection method: clinical testing. Allele origin: germline.

Labcorp Genetics (formerly Invitae), Labcorp
Classification: Likely benign for Left ventricular noncompaction 8. Last evaluated: 2026-01-13. Review status: criteria provided, single submitter. Criteria: Invitae Variant Classification Sherloc (09022015). Collection method: clinical testing. Allele origin: germline.

Laboratory for Molecular Medicine, Mass General Brigham Personalized Medicine
Classification: Likely benign. Last evaluated: 2015-08-13. Review status: criteria provided, single submitter. Criteria: LMM Criteria. Collection method: clinical testing. Allele origin: germline. Observed: 1 variant allele.
Comment: p.Asp1122Asp in exon 15 of PRDM16: This variant is not expected to have clinical significance because it does not alter an amino acid residue and is not located within the splice consensus sequence. It has been identified in 2/8246 African chromosomes by the Exome Aggregation Consortium (ExAC, e.org/; dbSNP rs370195954).